The following is an entry in ClinVar:

ClinVar aggregate classification (germline): Conflicting classifications of pathogenicity. Review status: criteria provided, conflicting classifications (1 of 4 stars). 2 submissions from 2 submitters: Uncertain significance (1); Likely benign (1). Last evaluated 2024-10-25.

Allele frequency attached by ClinVar (database versions not stated): ExAC 0.00066; gnomAD exomes 0.00075 and 0.00207; gnomAD 0.00099 and 0.00101; TOPMed 0.00103; ESP Exome Variant Server 0.00154.
gnomAD v4.1: 3,190 of 1,604,426 alleles (0.2%); highest among the groups gnomAD compares: Non-Finnish European, 0.25%; 6 homozygotes.

Submissions (2):

Blueprint Genetics
Classification: Likely benign. Last evaluated: 2024-10-25. Review status: criteria provided, single submitter. Criteria: ACMG Guidelines, 2015. Collection method: clinical testing. Allele origin: germline.

Labcorp Genetics (formerly Invitae), Labcorp
Classification: Uncertain significance. Last evaluated: 2022-11-01. Review status: criteria provided, single submitter. Criteria: Invitae Variant Classification Sherloc (09022015). Collection method: clinical testing. Allele origin: germline.
Comment: This sequence change replaces arginine, which is basic and polar, with cysteine, which is neutral and slightly polar, at codon 124 of the IFNAR1 protein (p.Arg124Cys). This variant is present in population databases (rs142890975, gnomAD 0.2%), and has an allele count higher than expected for a pathogenic variant. This variant has not been reported in the literature in individuals affected with IFNAR1-related conditions. ClinVar contains an entry for this variant (Variation ID: 1494375). Algorithms developed to predict the effect of missense changes on protein structure and function (SIFT, PolyPhen-2, Align-GVGD) all suggest that this variant is likely to be tolerated. In summary, the available evidence is currently insufficient to determine the role of this variant in disease. Therefore, it has been classified as a Variant of Uncertain Significance.

NM_000629.3(IFNAR1):c.370C>T (p.Arg124Cys)

Gene: IFNAR1 (interferon alpha and beta receptor subunit 1; plus strand). Cytogenetic location: 21q22.11.
Variant type: single nucleotide variant.
Coding change: c.370C>T on transcript NM_000629.3 (MANE Select); coding-DNA position 370, C replaced by T.
Protein change: p.Arg124Cys; replaces arginine 124 with cysteine.
Molecular consequence: missense variant. On other transcripts: 5 prime UTR variant (2).
Genome position (GRCh38, 1-based): chr21:33,341,168, C>T. VCF-style: chr21-33341168-C-T. GRCh37 (hg19) VCF-style: chr21-34713474-C-T.
Other names: c.370C>T, p.Arg124Cys (NM_001384498.1, NM_001384499.1, NM_001384501.1 and 1 more transcripts); c.-417C>T (NM_001384500.1); c.-93C>T (NM_001384502.1); c.163C>T, p.Arg55Cys (NM_001384504.1); short protein forms R124C, R55C.
Identifiers: ClinVar variation 1494375 (VCV001494375.4), dbSNP rs142890975, ClinGen allele CA10006460.